The following is an entry in ClinVar:

ClinVar aggregate classification (germline): Pathogenic (1 of 4 stars; one submission).

Conditions:
Glycogen storage disease, type V (GSD5). Also called: MCARDLE DISEASE; MUSCLE GLYCOGEN PHOSPHORYLASE DEFICIENCY; MYOPHOSPHORYLASE DEFICIENCY; PYGM DEFICIENCY; McArdle type glycogen storage disease. Identifiers: Orphanet 368, MedGen C0017924, MONDO:0009293, OMIM 232600.

Submission:

Myriad Genetics, Inc.
Classification: Pathogenic for Glycogen storage disease, type V. Last evaluated: 2024-08-03. Review status: criteria provided, single submitter. Criteria: Myriad Autosomal Dominant, Autosomal Recessive and X-Linked Classification Criteria (2023). Collection method: clinical testing. Allele origin: unknown.
Comment: NM_005609.2(PYGM):c.2191G>T(E731*) is expected to be pathogenic in the context of glycogen storage disease, PYGM-related. This variant is predicted to lead to an abnormal or absent protein product due to the creation of a premature termination codon in PYGM, a gene where loss-of-function variants are known to be pathogenic. Please note: this variant was assessed in the context of healthy population screening.

NM_005609.4(PYGM):c.2191G>T (p.Glu731Ter)

Gene: PYGM (glycogen phosphorylase, muscle associated; minus strand). Cytogenetic location: 11q13.1.
Variant type: single nucleotide variant.
Coding change: c.2191G>T on transcript NM_005609.4 (MANE Select); coding-DNA position 2191, G replaced by T.
Protein change: p.Glu731Ter; replaces glutamic acid 731 with a stop codon.
Molecular consequence: nonsense.
Genome position (GRCh38, 1-based): chr11:64,747,345, C>A on the plus strand (G>T on the coding strand, the complement: PYGM is on the minus strand). VCF-style: chr11-64747345-C-A. GRCh37 (hg19) VCF-style: chr11-64514817-C-A.
Other names: c.1927G>T, p.Glu643Ter (NM_001164716.1); short protein forms E643*, E731*.
Identifiers: ClinVar variation 5013410 (VCV005013410.1).
Genomic context (GRCh38, chr11:64,747,345, plus strand): 5'-AGAAGCCACTGCTCAGCTGCTCAATGACCTGCCGAAGCTCAGGAATGCGATCGTAGTACT[C>A]CTGGGCATTGTACCTGCCAGGACAGAGCTGTGGTCAGCTCCCCGGAAAGGGGTTCCTGGC-3'